The following is an entry in ClinVar:

ClinVar aggregate classification (germline): Uncertain significance (1 of 4 stars; one submission).

Submission:

Labcorp Genetics (formerly Invitae), Labcorp
Classification: Uncertain significance. Last evaluated: 2025-01-27. Review status: criteria provided, single submitter. Criteria: Invitae Variant Classification Sherloc (09022015). Collection method: clinical testing. Allele origin: germline.
Comment: This sequence change creates a premature translational stop signal (p.Arg747Profs*16) in the ZNF341 gene. While this is not anticipated to result in nonsense mediated decay, it is expected to disrupt the last 101 amino acid(s) of the ZNF341 protein. This variant is not present in population databases (gnomAD no frequency). This variant has not been reported in the literature in individuals affected with ZNF341-related conditions. Experimental studies and prediction algorithms are not available or were not evaluated, and the functional significance of this variant is currently unknown. In summary, the available evidence is currently insufficient to determine the role of this variant in disease. Therefore, it has been classified as a Variant of Uncertain Significance.

NM_001282933.2(ZNF341):c.2260dup (p.Arg754fs)

Genes: ZNF341-AS1 (ZNF341 antisense RNA 1; minus strand), ZNF341 (zinc finger protein 341; plus strand). Cytogenetic location: 20q11.22.
Variant type: Duplication.
Coding change: c.2260dup on transcript NM_001282933.2 (MANE Select); coding-DNA position 2260, one base duplicated (C; older notation c.2260dupC).
Protein change: p.Arg754fs; shifts the reading frame from arginine 754.
Molecular consequence: frameshift variant. On other transcripts: non-coding transcript variant (1).
Genome position (GRCh38, 1-based): chr20:33,791,212, C duplicated; the last of 6 consecutive C bases (chr20:33,791,207-33,791,212); duplicating any one gives the same sequence. VCF-style (leftmost placement, unchanged base first): chr20-33791206-G-GC. GRCh37 (hg19) VCF-style: chr20-32379012-G-GC.
Other names: c.1990dup, p.Arg664fs (NM_001282935.2); c.2239dup, p.Arg747fs (NM_032819.5); short protein forms R664fs, R754fs, R747fs.
Identifiers: ClinVar variation 3722998 (VCV003722998.2).